The following is an entry in ClinVar:

ClinVar aggregate classification (germline): Uncertain significance (1 of 4 stars; one submission).

Conditions:
Hereditary sensory and autonomic neuropathy type 7. Also called: Neuropathy, hereditary sensory and autonomic, type VII; HSAN VII. Identifiers: Orphanet 391397, MedGen C3809882, MONDO:0014244, OMIM 615548.
Familial episodic pain syndrome with predominantly lower limb involvement. Also called: Episodic pain syndrome, familial, 3. Identifiers: Orphanet 391384, Orphanet 391392, MedGen C3809899, MONDO:0014247, OMIM 615552.

Allele frequency attached by ClinVar (database versions not stated): gnomAD 0.00001; TOPMed 0.00001; ExAC 0.00002; gnomAD exomes 0.00002.
gnomAD v4.1: 11 of 1,606,976 alleles (0.00068%); highest among the groups gnomAD compares: Admixed American, 0.005%; no homozygotes.

Submission:

Labcorp Genetics (formerly Invitae), Labcorp
Classification: Uncertain significance for Familial episodic pain syndrome with predominantly lower limb involvement; Hereditary sensory and autonomic neuropathy type 7. Last evaluated: 2024-06-06. Review status: criteria provided, single submitter. Criteria: Invitae Variant Classification Sherloc (09022015). Collection method: clinical testing. Allele origin: germline.
Comment: This sequence change replaces valine, which is neutral and non-polar, with alanine, which is neutral and non-polar, at codon 125 of the SCN11A protein (p.Val125Ala). This variant is present in population databases (rs202128784, gnomAD 0.01%). This variant has not been reported in the literature in individuals affected with SCN11A-related conditions. ClinVar contains an entry for this variant (Variation ID: 840197). Advanced modeling of protein sequence and biophysical properties (such as structural, functional, and spatial information, amino acid conservation, physicochemical variation, residue mobility, and thermodynamic stability) performed at Invitae indicates that this missense variant is not expected to disrupt SCN11A protein function with a negative predictive value of 80%. In summary, the available evidence is currently insufficient to determine the role of this variant in disease. Therefore, it has been classified as a Variant of Uncertain Significance.

NM_001349253.2(SCN11A):c.374T>C (p.Val125Ala)

Gene: SCN11A (sodium voltage-gated channel alpha subunit 11; minus strand). Cytogenetic location: 3p22.2.
Variant type: single nucleotide variant.
Coding change: c.374T>C on transcript NM_001349253.2 (MANE Select); coding-DNA position 374, T replaced by C.
Protein change: p.Val125Ala; replaces valine 125 with alanine.
Molecular consequence: missense variant.
Genome position (GRCh38, 1-based): chr3:38,946,801, A>G on the plus strand (T>C on the coding strand, the complement: SCN11A is on the minus strand). VCF-style: chr3-38946801-A-G. GRCh37 (hg19) VCF-style: chr3-38988292-A-G.
Other names: c.374T>C, p.Val125Ala (NM_014139.3); short protein forms V125A.
Identifiers: ClinVar variation 840197 (VCV000840197.6), dbSNP rs202128784, ClinGen allele CA2322647.